The following is an entry in ClinVar:

NM_001277115.2(DNAH11):c.5490G>A (p.Leu1830=)

Gene: DNAH11 (dynein axonemal heavy chain 11; plus strand). Cytogenetic location: 7p15.3.
Variant type: single nucleotide variant.
Coding change: c.5490G>A on transcript NM_001277115.2 (MANE Select); coding-DNA position 5490, G replaced by A.
Protein change: p.Leu1830=; no amino-acid change (leucine 1830 retained).
Molecular consequence: synonymous variant.
Genome position (GRCh38, 1-based): chr7:21,683,813, G>A. VCF-style: chr7-21683813-G-A. GRCh37 (hg19) VCF-style: chr7-21723431-G-A.
Other names: p.Leu1830=.
Identifiers: ClinVar variation 93691 (VCV000093691.31), dbSNP rs55666134, ClinGen allele CA147213.
Genomic context (GRCh38, chr7:21,683,813, plus strand): 5'-CCTGCGTATGATGATTATGCAATGCCTTTAGGTTGTCAGTCCCCAAGCTTTTACATGGCT[G>A]TCTCAACTTCGTCACCGATGGGAGGATACCCAGAAACACTGCTTTGTTAATATTTGTGAT-3'
Protein context (NP_001264044.1, residues 1820-1840): KVVSPQAFTW[Leu1830=]SQLRHRWEDT

ClinVar aggregate classification (germline): Benign/Likely benign. Review status: criteria provided, multiple submitters, no conflicts (2 of 4 stars). 9 submissions from 9 submitters: Benign (6); Likely benign (3). Last evaluated 2026-02-04.

Conditions:
Primary ciliary dyskinesia. Also called: Ciliary dyskinesia. Identifiers: Orphanet 244, MedGen C0008780, MONDO:0016575, HP:0012265.
Primary ciliary dyskinesia 7. Also called: CILIARY DYSKINESIA, PRIMARY, 7, WITH OR WITHOUT SITUS INVERSUS. Identifiers: Orphanet 244, MedGen C2678473, MONDO:0012748, OMIM 611884.

Allele frequency attached by ClinVar (database versions not stated): 1000 Genomes Project 0.10224; 1000 Genomes Project 30x 0.10259; TOPMed 0.10919; ESP Exome Variant Server 0.11616; gnomAD 0.11626 and 0.11695; gnomAD exomes 0.12937 and 0.14509; ExAC 0.13460.
gnomAD v4.1: 228,834 of 1,610,424 alleles (14%); highest among the groups gnomAD compares: Non-Finnish European, 15%; 17,294 homozygotes.

Submissions (9):

Labcorp Genetics (formerly Invitae), Labcorp
Classification: Benign for Primary ciliary dyskinesia. Last evaluated: 2026-02-04. Review status: criteria provided, single submitter. Criteria: Invitae Variant Classification Sherloc (09022015). Collection method: clinical testing. Allele origin: germline.

Blueprint Genetics
Classification: Likely benign. Last evaluated: 2024-11-27. Review status: criteria provided, single submitter. Criteria: ACMG Guidelines, 2015. Collection method: clinical testing. Allele origin: germline.

Mayo Clinic Laboratories, Mayo Clinic
Classification: Benign. Last evaluated: 2022-04-26. Review status: criteria provided, single submitter. Criteria: ACMG Guidelines, 2015. Collection method: clinical testing. Allele origin: germline. Observed: 58 variant alleles.

Fulgent Genetics
Classification: Likely benign for Primary ciliary dyskinesia 7. Last evaluated: 2021-10-29. Review status: criteria provided, single submitter. Criteria: ACMG Guidelines, 2015. Collection method: clinical testing. Allele origin: unknown.

GeneDx
Classification: Benign. Last evaluated: 2018-11-10. Review status: criteria provided, single submitter. Criteria: GeneDx Variant Classification Process June 2021. Collection method: clinical testing. Allele origin: germline. Affected: yes.

Eurofins Ntd Llc (ga)
Classification: Benign. Last evaluated: 2013-04-05. Review status: criteria provided, single submitter. Criteria: EGL Classification Definitions 2015. Collection method: clinical testing. Allele origin: germline. Observed: 3 variant alleles, 3 heterozygotes.

Laboratory for Molecular Medicine, Mass General Brigham Personalized Medicine
Classification: Benign. Last evaluated: 2013-02-21. Review status: criteria provided, single submitter. Criteria: LMM Criteria. Collection method: clinical testing. Allele origin: germline. Observed: 22 variant alleles.
Comment: Leu1830Leu in exon 32 of DNAH11: This variant is not expected to have clinical s ignificance because it does not alter an amino acid residue and is not located w ithin the splice consensus sequence. It has been identified in 15.0% (1240/8258) of European American chromosomes from a broad population by the NHLBI Exome Seq uencing Project (dbSNP rs55666134).

Breakthrough Genomics
Classification: Likely benign. Review status: criteria provided, single submitter. Criteria: ACMG Guidelines, 2015. Collection method: not provided. Allele origin: germline. Inheritance: Autosomal recessive inheritance. Affected: yes.

PreventionGenetics, part of Exact Sciences
Classification: Benign. Review status: criteria provided, single submitter. Criteria: ACMG Guidelines, 2015. Collection method: clinical testing. Allele origin: germline.